The following is an entry in ClinVar:

ClinVar aggregate classification (germline): Likely benign (0 of 4 stars; one submission).

Conditions:
SLC4A7-related disorder. Also called: SLC4A7-related condition.

Allele frequency attached by ClinVar (database versions not stated): gnomAD exomes 0.00008; 1000 Genomes Project 0.00020; gnomAD 0.00023; TOPMed 0.00025; ExAC 0.00056; 1000 Genomes Project 30x 0.00141.
gnomAD v4.1: 153 of 1,409,264 alleles (0.011%); highest among the groups gnomAD compares: East Asian, 0.32%; 1 homozygote.

Submission:

PreventionGenetics, part of Exact Sciences
Classification: Likely benign for SLC4A7-related condition. Last evaluated: 2020-05-28. Review status: no assertion criteria provided. Collection method: clinical testing. Allele origin: germline.
Comment: This variant is classified as likely benign based on ACMG/AMP sequence variant interpretation guidelines (Richards et al. 2015 PMID: 25741868, with internal and published modifications).

NM_001321103.2(SLC4A7):c.60G>A (p.Arg20=)

Gene: SLC4A7 (solute carrier family 4 member 7; minus strand). Cytogenetic location: 3p24.1.
Variant type: single nucleotide variant.
Coding change: c.60G>A on transcript NM_001321103.2 (MANE Select); coding-DNA position 60, G replaced by A.
Protein change: p.Arg20=; no amino-acid change (arginine 20 retained).
Molecular consequence: synonymous variant. On other transcripts: intron variant (3).
Genome position (GRCh38, 1-based): chr3:27,484,067, C>T on the plus strand (G>A on the coding strand, the complement: SLC4A7 is on the minus strand). VCF-style: chr3-27484067-C-T. GRCh37 (hg19) VCF-style: chr3-27525558-C-T.
Other names: c.60G>A, p.Arg20= (NM_001321104.2, NM_001321105.2, NM_001321108.2); c.48+12G>A (NM_001321106.2, NM_001321107.2, NM_001258379.2).
Identifiers: ClinVar variation 3050137 (VCV003050137.2), dbSNP rs527663353, ClinGen allele CA2292402.
Genomic context (GRCh38, chr3:27,484,067, plus strand): 5'-TGTCTGCCTCGCCCCGCGCCCTCCCCCTGCGGAGGAGCCCCACCGCCGCGGCGCCCTCAC[C>T]CTGCTCGTTACCCGGGTGAGTAGCGGTCTCATCTGCTCGCCGGCCCCATCAGCCTCCATG-3'
Protein context (NP_001308032.1, residues 10-30): MRPLLTRVTS[Arg20=]GPDEEAVVDL